The following is an entry in ClinVar:

NM_003489.4(NRIP1):c.2641G>A (p.Ala881Thr)

Gene: NRIP1 (nuclear receptor interacting protein 1; minus strand). Cytogenetic location: 21q11.2.
Variant type: single nucleotide variant.
Coding change: c.2641G>A on transcript NM_003489.4 (MANE Select); coding-DNA position 2641, G replaced by A.
Protein change: p.Ala881Thr; replaces alanine 881 with threonine.
Molecular consequence: missense variant.
Genome position (GRCh38, 1-based): chr21:14,965,552, C>T on the plus strand (G>A on the coding strand, the complement: NRIP1 is on the minus strand). VCF-style: chr21-14965552-C-T. GRCh37 (hg19) VCF-style: chr21-16337873-C-T.
Other names: short protein forms A881T.
Identifiers: ClinVar variation 3605627 (VCV003605627.2).
Genomic context (GRCh38, chr21:14,965,552, plus strand): 5'-TCAGCTCTTCCTGGTTAAGCAAGGACCCATACAGTACTTCTGGGGCACTGTGATTGTTTG[C>T]AGCATCAACAATGTTGTTTTTCATCTTTTTAAATGGATTTTCTAATGGCTCAGTATAAAG-3'
Protein context (NP_003480.2, residues 871-891): KKMKNNIVDA[Ala881Thr]NNHSAPEVLY

ClinVar aggregate classification (germline): Uncertain significance (1 of 4 stars; one submission).

Submission:

Labcorp Genetics (formerly Invitae), Labcorp
Classification: Uncertain significance. Last evaluated: 2024-02-22. Review status: criteria provided, single submitter. Criteria: Invitae Variant Classification Sherloc (09022015). Collection method: clinical testing. Allele origin: germline.
Comment: This sequence change replaces alanine, which is neutral and non-polar, with threonine, which is neutral and polar, at codon 881 of the NRIP1 protein (p.Ala881Thr). This variant is present in population databases (rs371257897, gnomAD 0.02%). This variant has not been reported in the literature in individuals affected with NRIP1-related conditions. Algorithms developed to predict the effect of missense changes on protein structure and function output the following: SIFT: "Not Available"; PolyPhen-2: "Benign"; Align-GVGD: "Not Available". The threonine amino acid residue is found in multiple mammalian species, which suggests that this missense change does not adversely affect protein function. In summary, the available evidence is currently insufficient to determine the role of this variant in disease. Therefore, it has been classified as a Variant of Uncertain Significance.